The following is an entry in ClinVar:

ClinVar aggregate classification (germline): Uncertain significance (1 of 4 stars; one submission).

Allele frequency attached by ClinVar (database versions not stated): gnomAD exomes below 0.00001; gnomAD 0.00001.
gnomAD v4.1: 3 of 1,604,452 alleles (0.00019%); highest among the groups gnomAD compares: African/African-American, 0.0013%; no homozygotes.

Submission:

Labcorp Genetics (formerly Invitae), Labcorp
Classification: Uncertain significance. Last evaluated: 2024-07-10. Review status: criteria provided, single submitter. Criteria: Invitae Variant Classification Sherloc (09022015). Collection method: clinical testing. Allele origin: germline.
Comment: This sequence change replaces histidine, which is basic and polar, with glutamine, which is neutral and polar, at codon 826 of the IL12RB2 protein (p.His826Gln). This variant is present in population databases (no rsID available, gnomAD 0.0009%). This variant has not been reported in the literature in individuals affected with IL12RB2-related conditions. ClinVar contains an entry for this variant (Variation ID: 2142716). An algorithm developed to predict the effect of missense changes on protein structure and function (PolyPhen-2) suggests that this variant is likely to be tolerated. In summary, the available evidence is currently insufficient to determine the role of this variant in disease. Therefore, it has been classified as a Variant of Uncertain Significance.

NM_001374259.2(IL12RB2):c.2478C>G (p.His826Gln)

Gene: IL12RB2 (interleukin 12 receptor subunit beta 2; plus strand). Cytogenetic location: 1p31.3.
Variant type: single nucleotide variant.
Coding change: c.2478C>G on transcript NM_001374259.2 (MANE Select); coding-DNA position 2478, C replaced by G.
Protein change: p.His826Gln; replaces histidine 826 with glutamine.
Molecular consequence: missense variant. On other transcripts: 3 prime UTR variant (3), non-coding transcript variant (2).
Genome position (GRCh38, 1-based): chr1:67,395,978, C>G. VCF-style: chr1-67395978-C-G. GRCh37 (hg19) VCF-style: chr1-67861661-C-G.
Other names: c.*398C>G (NM_001258214.1, NM_001319233.1); c.2220C>G, p.His740Gln (NM_001258215.1); c.*379C>G (NM_001258216.1); c.2478C>G, p.His826Gln (NM_001559.3); short protein forms H740Q, H826Q.
Identifiers: ClinVar variation 2142716 (VCV002142716.4), dbSNP rs1236703292, ClinGen allele CA340735866.